The following is an entry in ClinVar:

ClinVar aggregate classification (germline): Uncertain significance (1 of 4 stars; one submission).

Conditions:
Dyskeratosis congenita. Identifiers: Orphanet 1775, MedGen C0265965, MONDO:0015780.

Submission:

Ambry Genetics
Classification: Uncertain significance for Dyskeratosis congenita. Last evaluated: 2026-07-19. Review status: criteria provided, single submitter. Criteria: Ambry Variant Classification Scheme 2023. Collection method: clinical testing. Allele origin: germline.
Comment: The p.P404H variant (also known as c.1211C>A), located in coding exon 2 of the TERT gene, results from a C to A substitution at nucleotide position 1211. The proline at codon 404 is replaced by histidine, an amino acid with similar properties. This amino acid position is conserved. In addition, the in silico prediction for this alteration is inconclusive. Based on the available evidence, the clinical significance of this variant remains unclear.

NM_198253.3(TERT):c.1211C>A (p.Pro404His)

Gene: TERT (telomerase reverse transcriptase; minus strand). Cytogenetic location: 5p15.33.
Variant type: single nucleotide variant.
Coding change: c.1211C>A on transcript NM_198253.3 (MANE Select); coding-DNA position 1211, C replaced by A.
Protein change: p.Pro404His; replaces proline 404 with histidine.
Molecular consequence: missense variant. On other transcripts: non-coding transcript variant (2).
Genome position (GRCh38, 1-based): chr5:1,293,675, G>T on the plus strand (C>A on the coding strand, the complement: TERT is on the minus strand). VCF-style: chr5-1293675-G-T. GRCh37 (hg19) VCF-style: chr5-1293790-G-T.
Other names: c.1211C>A, p.Pro404His (NM_001193376.3); short protein forms P404H.
Identifiers: ClinVar variation 5030647 (VCV005030647.1).